The following is an entry in ClinVar:

NM_173630.4(RTTN):c.3384-226C>G

Gene: RTTN (rotatin; minus strand). Cytogenetic location: 18q22.2.
Variant type: single nucleotide variant.
Coding change: c.3384-226C>G on transcript NM_173630.4 (MANE Select); 226 bases into the intron before coding-DNA position 3384, C replaced by G.
Molecular consequence: intron variant.
Genome position (GRCh38, 1-based): chr18:70,121,926, G>C on the plus strand (C>G on the coding strand, the complement: RTTN is on the minus strand). VCF-style: chr18-70121926-G-C. GRCh37 (hg19) VCF-style: chr18-67789162-G-C.
Other names: c.648-226C>G (NM_001318520.2).
Identifiers: ClinVar variation 678964 (VCV000678964.1), dbSNP rs74999746, ClinGen allele CA301958724.

ClinVar aggregate classification (germline): Likely benign (1 of 4 stars; one submission).

Allele frequency attached by ClinVar (database versions not stated): gnomAD 0.02084 and 0.02127; 1000 Genomes Project 30x 0.02186; TOPMed 0.02194; 1000 Genomes Project 0.02196.
gnomAD v4.1: 3,242 of 152,154 alleles (2.1%); highest among the groups gnomAD compares: Admixed American, 4%; 52 homozygotes.

Submission:

GeneDx
Classification: Likely benign. Last evaluated: 2018-06-19. Review status: criteria provided, single submitter. Criteria: GeneDx Variant Classification (06012015). Collection method: clinical testing. Allele origin: germline. Affected: yes.
Comment: This variant is considered likely benign or benign based on one or more of the following criteria: it is a conservative change, it occurs at a poorly conserved position in the protein, it is predicted to be benign by multiple in silico algorithms, and/or has population frequency not consistent with disease.